The following is an entry in ClinVar:

NM_020774.4(MIB1):c.1616A>G (p.Asn539Ser)

Gene: MIB1 (MIB E3 ubiquitin protein ligase 1; plus strand). Cytogenetic location: 18q11.2.
Variant type: single nucleotide variant.
Coding change: c.1616A>G on transcript NM_020774.4 (MANE Select); coding-DNA position 1616, A replaced by G.
Protein change: p.Asn539Ser; replaces asparagine 539 with serine.
Molecular consequence: missense variant.
Genome position (GRCh38, 1-based): chr18:21,815,752, A>G. VCF-style: chr18-21815752-A-G. GRCh37 (hg19) VCF-style: chr18-19395713-A-G.
Other names: short protein forms N539S.
Identifiers: ClinVar variation 4841896 (VCV004841896.1).

ClinVar aggregate classification (germline): Uncertain significance (1 of 4 stars; one submission).

Conditions:
Inborn genetic diseases. Identifiers: MedGen C0950123, MeSH D030342.

gnomAD v4.1: 1 of 1,614,160 alleles (0.000062%); highest among the groups gnomAD compares: Non-Finnish European, 0.000085%; no homozygotes.

Submission:

Ambry Genetics
Classification: Uncertain significance for Inborn genetic diseases. Last evaluated: 2025-12-30. Review status: criteria provided, single submitter. Criteria: Ambry Variant Classification Scheme 2023. Collection method: clinical testing. Allele origin: germline.
Comment: The p.N539S variant (also known as c.1616A>G), located in coding exon 11 of the MIB1 gene, results from an A to G substitution at nucleotide position 1616. The asparagine at codon 539 is replaced by serine, an amino acid with highly similar properties. This amino acid position is conserved. In addition, this alteration is predicted to be tolerated by in silico analysis. Based on the available evidence, the clinical significance of this variant remains unclear.